The following is an entry in ClinVar:

NM_002968.3(SALL1):c.3092G>T (p.Cys1031Phe)

Gene: SALL1 (spalt like transcription factor 1; minus strand). Cytogenetic location: 16q12.1.
Variant type: single nucleotide variant.
Coding change: c.3092G>T on transcript NM_002968.3 (MANE Select); coding-DNA position 3092, G replaced by T.
Protein change: p.Cys1031Phe; replaces cysteine 1031 with phenylalanine.
Molecular consequence: missense variant.
Genome position (GRCh38, 1-based): chr16:51,139,130, C>A on the plus strand (G>T on the coding strand, the complement: SALL1 is on the minus strand). VCF-style: chr16-51139130-C-A. GRCh37 (hg19) VCF-style: chr16-51173041-C-A.
Other names: c.2801G>T, p.Cys934Phe (NM_001127892.2); short protein forms C1031F, C934F.
Identifiers: ClinVar variation 5016939 (VCV005016939.1).

ClinVar aggregate classification (germline): Uncertain significance (1 of 4 stars; one submission).

gnomAD v4.1: 1 of 1,614,188 alleles (0.000062%); highest among the groups gnomAD compares: Non-Finnish European, 0.000085%; no homozygotes.

Submission:

GeneDx
Classification: Uncertain significance. Last evaluated: 2026-03-20. Review status: criteria provided, single submitter. Criteria: GeneDx Variant Classification Process June 2021. Collection method: clinical testing. Allele origin: germline.
Comment: Not observed at significant frequency in large population cohorts (gnomAD); In silico analysis supports that this missense variant has a deleterious effect on protein structure/function; Has not been previously published as pathogenic or benign to our knowledge